The following is an entry in ClinVar:

ClinVar aggregate classification (germline): Uncertain significance (1 of 4 stars; one submission).

Conditions:
Cardiovascular phenotype. Identifiers: MedGen CN230736.

gnomAD v4.1: 3 of 1,613,792 alleles (0.00019%); highest among the groups gnomAD compares: African/African-American, 0.0027%; no homozygotes.

Submission:

Ambry Genetics
Classification: Uncertain significance for Cardiovascular phenotype. Last evaluated: 2021-10-29. Review status: criteria provided, single submitter. Criteria: Ambry Variant Classification Scheme 2023. Collection method: clinical testing. Allele origin: germline.
Comment: The p.H562L variant (also known as c.1685A>T), located in coding exon 8 of the AKAP9 gene, results from an A to T substitution at nucleotide position 1685. The histidine at codon 562 is replaced by leucine, an amino acid with similar properties. This amino acid position is conserved. In addition, this alteration is predicted to be tolerated by in silico analysis. Since supporting evidence is limited at this time, the clinical significance of this alteration remains unclear.

NM_005751.5(AKAP9):c.1685A>T (p.His562Leu)

Gene: AKAP9 (A-kinase anchoring protein 9; plus strand). Cytogenetic location: 7q21.2.
Variant type: single nucleotide variant.
Coding change: c.1685A>T on transcript NM_005751.5 (MANE Select); coding-DNA position 1685, A replaced by T.
Protein change: p.His562Leu; replaces histidine 562 with leucine.
Molecular consequence: missense variant.
Genome position (GRCh38, 1-based): chr7:92,001,602, A>T. VCF-style: chr7-92001602-A-T. GRCh37 (hg19) VCF-style: chr7-91630916-A-T.
Other names: c.1685A>T, p.His562Leu (NM_147185.3); short protein forms H562L.
Identifiers: ClinVar variation 1777982 (VCV001777982.2), dbSNP rs145033147, ClinGen allele CA368122356.